The following is an entry in ClinVar:

NM_014991.6(WDFY3):c.1120A>C (p.Lys374Gln)

Gene: WDFY3 (WD repeat and FYVE domain containing 3; minus strand). Cytogenetic location: 4q21.23.
Variant type: single nucleotide variant.
Coding change: c.1120A>C on transcript NM_014991.6 (MANE Select); coding-DNA position 1120, A replaced by C.
Protein change: p.Lys374Gln; replaces lysine 374 with glutamine.
Molecular consequence: missense variant.
Genome position (GRCh38, 1-based): chr4:84,826,818, T>G on the plus strand (A>C on the coding strand, the complement: WDFY3 is on the minus strand). VCF-style: chr4-84826818-T-G. GRCh37 (hg19) VCF-style: chr4-85747971-T-G.
Other names: short protein forms K374Q.
Identifiers: ClinVar variation 5009205 (VCV005009205.1).

ClinVar aggregate classification (germline): Uncertain significance (1 of 4 stars; one submission).

Submission:

GeneDx
Classification: Uncertain significance. Last evaluated: 2026-03-18. Review status: criteria provided, single submitter. Criteria: GeneDx Variant Classification Process June 2021. Collection method: clinical testing. Allele origin: germline.
Comment: Not observed at significant frequency in large population cohorts (gnomAD); In silico analysis suggests that this missense variant does not alter protein structure/function; Has not been previously published as pathogenic or benign to our knowledge